The following is an entry in ClinVar:

ClinVar aggregate classification (germline): Uncertain significance. Review status: criteria provided, multiple submitters, no conflicts (2 of 4 stars). 2 submissions from 2 submitters: Uncertain significance (2). Last evaluated 2025-11-25.

Conditions:
Chédiak-Higashi syndrome (CHS). Also called: Chediak-Higashi Syndrome. Identifiers: Orphanet 167, MedGen C0007965, MONDO:0008963, OMIM 214500.

gnomAD v4.1: 8 of 1,614,138 alleles (0.0005%); highest among the groups gnomAD compares: Non-Finnish European, 0.00068%; no homozygotes.

Submissions (2):

Labcorp Genetics (formerly Invitae), Labcorp
Classification: Uncertain significance for Chédiak-Higashi syndrome. Last evaluated: 2025-11-25. Review status: criteria provided, single submitter. Criteria: Invitae Variant Classification Sherloc (09022015). Collection method: clinical testing. Allele origin: germline.
Comment: This sequence change replaces arginine, which is basic and polar, with serine, which is neutral and polar, at codon 2225 of the LYST protein (p.Arg2225Ser). This variant is present in population databases (rs375665715, gnomAD 0.003%). This variant has not been reported in the literature in individuals affected with LYST-related conditions. ClinVar contains an entry for this variant (Variation ID: 1370261). Invitae Evidence Modeling of protein sequence and biophysical properties (such as structural, functional, and spatial information, amino acid conservation, physicochemical variation, residue mobility, and thermodynamic stability) indicates that this missense variant is not expected to disrupt LYST protein function with a negative predictive value of 80%. In summary, the available evidence is currently insufficient to determine the role of this variant in disease. Therefore, it has been classified as a Variant of Uncertain Significance.

Fulgent Genetics
Classification: Uncertain significance for Chédiak-Higashi syndrome. Last evaluated: 2021-07-28. Review status: criteria provided, single submitter. Criteria: ACMG Guidelines, 2015. Collection method: clinical testing. Allele origin: unknown.

NM_000081.4(LYST):c.6673C>A (p.Arg2225Ser)

Gene: LYST (lysosomal trafficking regulator; minus strand). Cytogenetic location: 1q42.3.
Variant type: single nucleotide variant.
Coding change: c.6673C>A on transcript NM_000081.4 (MANE Select); coding-DNA position 6673, C replaced by A.
Protein change: p.Arg2225Ser; replaces arginine 2225 with serine.
Molecular consequence: missense variant.
Genome position (GRCh38, 1-based): chr1:235,759,180, G>T on the plus strand (C>A on the coding strand, the complement: LYST is on the minus strand). VCF-style: chr1-235759180-G-T. GRCh37 (hg19) VCF-style: chr1-235922480-G-T.
Other names: c.6673C>A, p.Arg2225Ser (NM_001301365.1); short protein forms R2225S.
Identifiers: ClinVar variation 1370261 (VCV001370261.7), dbSNP rs375665715, ClinGen allele CA1466336.